The following is an entry in ClinVar:

ClinVar aggregate classification (germline): Conflicting classifications of pathogenicity. Review status: criteria provided, conflicting classifications (1 of 4 stars). 4 submissions from 4 submitters: Uncertain significance (3); Likely benign (1). Last evaluated 2025-11-17.

Conditions:
Cardiovascular phenotype. Identifiers: MedGen CN230736.
Long QT syndrome (LQTS). Identifiers: MedGen C0023976, MeSH D008133, MONDO:0002442. Disease mechanism: loss of function. Inheritance: Various modes of inheritance.
Long QT syndrome 12 (LQT12). Identifiers: Orphanet 101016, Orphanet 768, MedGen C2751830, MONDO:0013062, OMIM 612955.

Allele frequency attached by ClinVar (database versions not stated): ExAC 0.00003; gnomAD exomes 0.00003 and 0.00004; gnomAD 0.00004; TOPMed 0.00005.

Submissions (4):

Labcorp Genetics (formerly Invitae), Labcorp
Classification: Uncertain significance for Long QT syndrome. Last evaluated: 2025-11-17. Review status: criteria provided, single submitter. Criteria: Invitae Variant Classification Sherloc (09022015). Collection method: clinical testing. Allele origin: germline.
Comment: This sequence change replaces glycine, which is neutral and non-polar, with serine, which is neutral and polar, at codon 186 of the SNTA1 protein (p.Gly186Ser). This variant is present in population databases (rs200755101, gnomAD 0.005%). This variant has not been reported in the literature in individuals affected with SNTA1-related conditions. ClinVar contains an entry for this variant (Variation ID: 190935). Invitae Evidence Modeling of protein sequence and biophysical properties (such as structural, functional, and spatial information, amino acid conservation, physicochemical variation, residue mobility, and thermodynamic stability) indicates that this missense variant is not expected to disrupt SNTA1 protein function with a negative predictive value of 80%. In summary, the available evidence is currently insufficient to determine the role of this variant in disease. Therefore, it has been classified as a Variant of Uncertain Significance.

Ambry Genetics
Classification: Likely benign for Cardiovascular phenotype. Last evaluated: 2025-07-10. Review status: criteria provided, single submitter. Criteria: Ambry Variant Classification Scheme 2023. Collection method: clinical testing. Allele origin: germline.

Fulgent Genetics
Classification: Uncertain significance for Long QT syndrome 12. Last evaluated: 2022-02-15. Review status: criteria provided, single submitter. Criteria: ACMG Guidelines, 2015. Collection method: clinical testing. Allele origin: unknown.

GeneDx
Classification: Uncertain significance. Last evaluated: 2016-11-17. Review status: criteria provided, single submitter. Criteria: GeneDx Variant Classification (06012015). Collection method: clinical testing. Allele origin: germline. Affected: yes.
Comment: The Gly186Ser variant in the SNTA1 gene has not been reported previously as a disease-causing mutation nor as a benign polymorphism, to our knowledge. Gly186Ser results in a non-conservative amino acid substitution of a non-polar Glycine with a neutral, polar Serine at a residue that is conserved across mammal species. The Gly186Ser variant was not detected in up to 600 alleles from control individuals of Caucasian and African American ancestry tested at GeneDx, indicating it is not a common benign variant in these populations. However, no mutations have been reported in this region of the SNTA1 gene to date. In summary, with the clinical and molecular information available at this time, we cannot unequivocally determine whether the Gly186Ser variant is a disease-causing mutation or a rare benign variant. The pathogenic role of this variant would be supported if it arose de novo in an individual or co-segregates with an LQTS phenotype in a family. The variant is found in LQT panel(s).

NM_003098.3(SNTA1):c.556G>A (p.Gly186Ser)

Gene: SNTA1 (syntrophin alpha 1; minus strand). Cytogenetic location: 20q11.21.
Variant type: single nucleotide variant.
Coding change: c.556G>A on transcript NM_003098.3 (MANE Select); coding-DNA position 556, G replaced by A.
Protein change: p.Gly186Ser; replaces glycine 186 with serine.
Molecular consequence: missense variant.
Genome position (GRCh38, 1-based): chr20:33,417,864, C>T on the plus strand (G>A on the coding strand, the complement: SNTA1 is on the minus strand). VCF-style: chr20-33417864-C-T. GRCh37 (hg19) VCF-style: chr20-32005670-C-T.
Other names: p.G186S:GGC>AGC; short protein forms G186S.
Identifiers: ClinVar variation 190935 (VCV000190935.12), dbSNP rs200755101, ClinGen allele CA302330.
Genomic context (GRCh38, chr20:33,417,864, plus strand): 5'-GTGTGGGGCCAGGGGAGGAAGGCTGCCGCTGAAGGGGTGAGGCAGGAGGTGAGTCCCAGC[C>T]GACCGAGGTCCCACCAGTAGAGTTCTTGAAATACGGTGAGACGTCCTTCATATACTTGAC-3'
Protein context (NP_003089.1, residues 176-196): FKNSTGGTSV[Gly186Ser]WDSPPASPLQ